The following is an entry in ClinVar:

ClinVar aggregate classification (germline): Uncertain significance. Review status: criteria provided, multiple submitters, no conflicts (2 of 4 stars). 6 submissions from 6 submitters: Uncertain significance (5). 1 of the submissions does not count toward it. Last evaluated 2024-11-25.

Conditions:
Retinitis pigmentosa 74 (RP74). Identifiers: Orphanet 791, MedGen C4225281, MONDO:0014692, OMIM 616562.
Bardet-Biedl syndrome 2 (BBS2). Identifiers: Orphanet 110, MedGen C2936863, MONDO:0014432, OMIM 615981.
Retinal dystrophy. Also called: Inherited retinal dystrophy. Identifiers: Orphanet 71862, MedGen C0854723, MeSH D058499, MONDO:0019118, HP:0000556.
Bardet-Biedl syndrome (BBS). Identifiers: Orphanet 110, MedGen C0752166, MONDO:0015229.

Allele frequency attached by ClinVar (database versions not stated): ExAC 0.00002; TOPMed 0.00002; gnomAD 0.00003 and 0.00004; gnomAD exomes 0.00003 and 0.00004; 1000 Genomes Project 30x 0.00016; 1000 Genomes Project 0.00020.
gnomAD v4.1: 56 of 1,613,822 alleles (0.0035%); highest among the groups gnomAD compares: South Asian, 0.0044%; no homozygotes.

Submissions (6):

Blueprint Genetics
Classification: Uncertain significance. Last evaluated: 2024-11-25. Review status: criteria provided, single submitter. Criteria: ACMG Guidelines, 2015. Collection method: clinical testing. Allele origin: germline.

Labcorp Genetics (formerly Invitae), Labcorp
Classification: Uncertain significance for Bardet-Biedl syndrome. Last evaluated: 2024-10-29. Review status: criteria provided, single submitter. Criteria: Invitae Variant Classification Sherloc (09022015). Collection method: clinical testing. Allele origin: germline.
Comment: This sequence change replaces arginine, which is basic and polar, with histidine, which is basic and polar, at codon 643 of the BBS2 protein (p.Arg643His). This variant is present in population databases (rs532361142, gnomAD 0.01%). This missense change has been observed in individual(s) with Bardet-Biedl syndrome (PMID: 12920096). ClinVar contains an entry for this variant (Variation ID: 553014). Invitae Evidence Modeling of protein sequence and biophysical properties (such as structural, functional, and spatial information, amino acid conservation, physicochemical variation, residue mobility, and thermodynamic stability) indicates that this missense variant is not expected to disrupt BBS2 protein function with a negative predictive value of 80%. Experimental studies have shown that this missense change affects BBS2 function (PMID: 20498079). In summary, the available evidence is currently insufficient to determine the role of this variant in disease. Therefore, it has been classified as a Variant of Uncertain Significance.

Fulgent Genetics
Classification: Uncertain significance for Bardet-Biedl syndrome 2; Retinitis pigmentosa 74. Last evaluated: 2024-03-24. Review status: criteria provided, single submitter. Criteria: ACMG Guidelines, 2015. Collection method: clinical testing. Allele origin: germline.

Institute of Human Genetics, Univ. Regensburg, Univ. Regensburg
Classification: Uncertain significance for Retinal dystrophy. Last evaluated: 2023-01-01. Review status: criteria provided, single submitter. Criteria: ACMG Guidelines, 2015. Collection method: clinical testing. Allele origin: germline. Affected: yes.

Genome-Nilou Lab
Classification: Uncertain significance for Bardet-Biedl syndrome 2. Last evaluated: 2021-05-18. Review status: criteria provided, single submitter. Criteria: ACMG Guidelines, 2015. Collection method: clinical testing. Allele origin: germline. Affected: no.

Counsyl
Classification: Uncertain significance for Bardet-Biedl syndrome 2. Last evaluated: 2017-07-25. Review status: no assertion criteria provided. Collection method: clinical testing. Allele origin: unknown. Not counted in ClinVar's aggregate classification.

Literature cited by the submitters: PubMed 12920096 (cited by 3 submitters); PubMed 20498079 (cited by 3 submitters); PubMed 31964843 (cited by Institute of Human Genetics, Univ. Regensburg, Univ. Regensburg).

NM_031885.5(BBS2):c.1928G>A (p.Arg643His)

Gene: BBS2 (Bardet-Biedl syndrome 2; minus strand). Cytogenetic location: 16q13.
Variant type: single nucleotide variant.
Coding change: c.1928G>A on transcript NM_031885.5 (MANE Select); coding-DNA position 1928, G replaced by A.
Protein change: p.Arg643His; replaces arginine 643 with histidine.
Molecular consequence: missense variant. On other transcripts: non-coding transcript variant (5).
Genome position (GRCh38, 1-based): chr16:56,485,721, C>T on the plus strand (G>A on the coding strand, the complement: BBS2 is on the minus strand). VCF-style: chr16-56485721-C-T. GRCh37 (hg19) VCF-style: chr16-56519633-C-T.
Other names: c.1928G>A, p.Arg643His (NM_001377456.1); short protein forms R643H.
Identifiers: ClinVar variation 553014 (VCV000553014.16), dbSNP rs532361142, ClinGen allele CA8065576.
Genomic context (GRCh38, chr16:56,485,721, plus strand): 5'-TTACAGCGAATTTTATATCCATTTAGCAAGTCTCTATTAAGGTCATAGAGTTCCATATAA[C>T]GACTCTTCATTGTTTTCCTGTGCAAATCAGTAGAAATTTGACATCATTTCATGTTGATAT-3'
Protein context (NP_114091.4, residues 633-653): LMRDMKTMKS[Arg643His]YMELYDLNRD